The following is an entry in ClinVar:

ClinVar aggregate classification (germline): Conflicting classifications of pathogenicity. Review status: criteria provided, conflicting classifications (1 of 4 stars). 5 submissions from 5 submitters: Uncertain significance (3); Likely benign (2). Last evaluated 2025-07-24.

Conditions:
TTN-related disorder. Also called: TTN-related condition; TTN-related disease; TTN-related disorders.

Allele frequency attached by ClinVar (database versions not stated): ExAC 0.00002; gnomAD 0.00002; TOPMed 0.00002; gnomAD exomes 0.00003.
gnomAD v4.1: 42 of 1,613,432 alleles (0.0026%); highest among the groups gnomAD compares: Non-Finnish European, 0.0035%; no homozygotes.

Submissions (5):

Molecular Diagnostic Laboratory for Inherited Cardiovascular Disease, Montreal Heart Institute
Classification: Likely benign. Last evaluated: 2025-07-24. Review status: criteria provided, single submitter. Criteria: ACMG Guidelines, 2015. Collection method: clinical testing. Allele origin: germline. Affected: no.
Comment: BP1

Blueprint Genetics
Classification: Likely benign. Last evaluated: 2024-01-10. Review status: criteria provided, single submitter. Criteria: ACMG Guidelines, 2015. Collection method: clinical testing. Allele origin: germline.

Women's Health and Genetics/Laboratory Corporation of America, LabCorp
Classification: Uncertain significance. Last evaluated: 2023-11-21. Review status: criteria provided, single submitter. Criteria: LabCorp Variant Classification Summary - May 2015. Collection method: clinical testing. Allele origin: germline.
Comment: Variant summary: TTN c.17288T>C (p.Ile5763Thr) results in a non-conservative amino acid change in the encoded protein sequence. Three of three in-silico tools predict a damaging effect of the variant on protein function. The variant allele was found at a frequency of 1.2e-05 in 248716 control chromosomes. The available data on variant occurrences in the general population are insufficient to allow any conclusion about variant significance. To our knowledge, no occurrence of c.17288T>C in individuals affected with Limb-Girdle Muscular Dystrophy, Type 2J and no experimental evidence demonstrating its impact on protein function have been reported. One submitter has cited clinical-significance assessments for this variant to ClinVar after 2014 and has classified the variant as uncertain significance. Based on the evidence outlined above, the variant was classified as uncertain significance.

Revvity Omics, Revvity
Classification: Uncertain significance. Last evaluated: 2023-04-24. Review status: criteria provided, single submitter. Criteria: ACMG Guidelines, 2015. Collection method: clinical testing. Allele origin: germline.

PreventionGenetics, part of Exact Sciences
Classification: Uncertain significance for TTN-related condition. Last evaluated: 2022-09-06. Review status: criteria provided, single submitter. Criteria: ACMG Guidelines, 2015. Collection method: clinical testing. Allele origin: germline.
Comment: The TTN c.21020T>C variant is predicted to result in the amino acid substitution p.Ile7007Thr. To our knowledge, this variant has not been reported in the literature. This variant is reported in 0.0031% of alleles in individuals of European (Non-Finnish) descent in gnomAD. At this time, the clinical significance of this variant is uncertain due to the absence of conclusive functional and genetic evidence.

NM_001267550.2(TTN):c.21020T>C (p.Ile7007Thr)

Genes: TTN (titin; minus strand), LOC126806428 (BRD4-independent group 4 enhancer GRCh37_chr2:179588362-179589561; plus strand). Cytogenetic location: 2q31.2.
Variant type: single nucleotide variant.
Coding change: c.21020T>C on transcript NM_001267550.2 (MANE Select); coding-DNA position 21020, T replaced by C.
Protein change: p.Ile7007Thr; replaces isoleucine 7007 with threonine.
Molecular consequence: missense variant. On other transcripts: intron variant (3).
Genome position (GRCh38, 1-based): chr2:178,724,355, A>G on the plus strand (T>C on the coding strand, the complement: TTN is on the minus strand). VCF-style: chr2-178724355-A-G. GRCh37 (hg19) VCF-style: chr2-179589082-A-G.
Other names: c.20069T>C, p.Ile6690Thr (NM_001256850.1); c.17288T>C, p.Ile5763Thr (NM_133378.4); c.13282+13727T>C (NM_003319.4); c.13858+13727T>C (NM_133437.4); c.13657+13727T>C (NM_133432.3); short protein forms I5763T, I6690T, I7007T.
Identifiers: ClinVar variation 2437945 (VCV002437945.7), dbSNP rs773611280, ClinGen allele CA2001093.
Genomic context (GRCh38, chr2:178,724,355, plus strand): 5'-CCAACATTATTTTGAACCTGGAAAGTGTATGTGCCTGCATCTTGCCTTTCAACTGAGAGA[A>G]TCCTTAAGGAAGAGATTTTGTTGTAGAAGCTAAATTTGTGTTTTTGGCTGCTGGTCAACA-3'
Protein context (NP_001254479.2, residues 6997-7017): SFYNKISSLR[Ile7007Thr]LSVERQDAGT